The following is an entry in ClinVar:

ClinVar aggregate classification (germline): Pathogenic (1 of 4 stars; one submission).

Conditions:
Combined deficiency of sialidase AND beta galactosidase (GSL). Also called: NEURAMINIDASE DEFICIENCY WITH BETA-GALACTOSIDASE DEFICIENCY; NEURAMINIDASE/BETA-GALACTOSIDASE EXPRESSION; PPCA DEFICIENCY; PROTECTIVE PROTEIN/CATHEPSIN A DEFICIENCY; Galactosialidosis; CATHEPSIN A DEFICIENCY. Identifiers: Orphanet 351, MedGen C0268233, MONDO:0009737, OMIM 256540.

Allele frequency attached by ClinVar (database versions not stated): gnomAD exomes below 0.00001 and 0.00001; ExAC 0.00001.

Submission:

Labcorp Genetics (formerly Invitae), Labcorp
Classification: Pathogenic for Combined deficiency of sialidase AND beta galactosidase. Last evaluated: 2022-09-28. Review status: criteria provided, single submitter. Criteria: Invitae Variant Classification Sherloc (09022015). Collection method: clinical testing. Allele origin: germline.
Comment: For these reasons, this variant has been classified as Pathogenic. ClinVar contains an entry for this variant (Variation ID: 338531). This variant has not been reported in the literature in individuals affected with CTSA-related conditions. This variant is present in population databases (rs766114836, gnomAD 0.006%). This sequence change creates a premature translational stop signal (p.Trp251*) in the CTSA gene. It is expected to result in an absent or disrupted protein product. Loss-of-function variants in CTSA are known to be pathogenic (PMID: 15110321, 23915561).

Literature cited by the submitters: PubMed 15110321; PubMed 23915561.

NM_000308.4(CTSA):c.699G>A (p.Trp233Ter)

Gene: CTSA (cathepsin A; plus strand). Cytogenetic location: 20q13.12.
Variant type: single nucleotide variant.
Coding change: c.699G>A on transcript NM_000308.4 (MANE Select); coding-DNA position 699, G replaced by A.
Protein change: p.Trp233Ter; replaces tryptophan 233 with a stop codon.
Molecular consequence: nonsense. On other transcripts: non-coding transcript variant (1).
Genome position (GRCh38, 1-based): chr20:45,893,994, G>A. VCF-style: chr20-45893994-G-A. GRCh37 (hg19) VCF-style: chr20-44522633-G-A.
Other names: c.699G>A, p.Trp233Ter (NM_001127695.3); c.648G>A, p.Trp216Ter (NM_001167594.3); short protein forms W233*, W216*.
Identifiers: ClinVar variation 338531 (VCV000338531.10), dbSNP rs766114836, ClinGen allele CA9883132.
Genomic context (GRCh38, chr20:45,893,994, plus strand): 5'-TGCCTTCCTCTTCCCACCAGCAGCTGATGCGCTTTTCACTCTCATCTCCTACAGGCTTTG[G>A]TCTTCTCTCCAGACCCACTGCTGCTCTCAAAACAAGTGTAACTTCTATGACAACAAAGAC-3'